The following is an entry in ClinVar:

ClinVar aggregate classification (germline): Uncertain significance (1 of 4 stars; one submission).

Conditions:
Primary immunodeficiency with post-measles-mumps-rubella vaccine viral infection. Also called: Immunodeficiency 44. Identifiers: Orphanet 431166, MedGen C4225260, MONDO:0014715, OMIM 616636.

Submission:

Labcorp Genetics (formerly Invitae), Labcorp
Classification: Uncertain significance for Primary immunodeficiency with post-measles-mumps-rubella vaccine viral infection. Last evaluated: 2022-07-14. Review status: criteria provided, single submitter. Criteria: Invitae Variant Classification Sherloc (09022015). Collection method: clinical testing. Allele origin: germline.
Comment: This variant is present in population databases (rs781118479, gnomAD 0.004%). In summary, the available evidence is currently insufficient to determine the role of this variant in disease. Therefore, it has been classified as a Variant of Uncertain Significance. Variants that disrupt the consensus splice site are a relatively common cause of aberrant splicing (PMID: 17576681, 9536098). Algorithms developed to predict the effect of sequence changes on RNA splicing suggest that this variant may disrupt the consensus splice site. ClinVar contains an entry for this variant (Variation ID: 1416367). This variant has not been reported in the literature in individuals affected with STAT2-related conditions. This sequence change falls in intron 7 of the STAT2 gene. It does not directly change the encoded amino acid sequence of the STAT2 protein. It affects a nucleotide within the consensus splice site.

Literature cited by the submitters: PubMed 17576681; PubMed 9536098.

NM_005419.4(STAT2):c.634-3dup

Gene: STAT2 (signal transducer and activator of transcription 2; minus strand). Cytogenetic location: 12q13.3.
Variant type: Duplication.
Coding change: c.634-3dup on transcript NM_005419.4 (MANE Select); 3 bases into the intron before coding-DNA position 634, one base duplicated (C; older notation c.634-3dupC).
Molecular consequence: intron variant.
Genome position (GRCh38, 1-based): chr12:56,354,617, G duplicated on the plus strand (C on the coding strand, the reverse complement: STAT2 is on the minus strand); the first of 3 consecutive G bases (chr12:56,354,617-56,354,619); duplicating any one gives the same sequence. VCF-style (leftmost placement, unchanged base first): chr12-56354616-T-TG. GRCh37 (hg19) VCF-style: chr12-56748400-T-TG.
Other names: c.622-3dup (NM_001385110.1, NM_001385115.1, NM_198332.2); c.634-3dup (NM_001385114.1, NM_001385111.1, NM_001385113.1).
Identifiers: ClinVar variation 1416367 (VCV001416367.8), dbSNP rs781118479, ClinGen allele CA6630793.